The following is an entry in ClinVar:

ClinVar aggregate classification (germline): Uncertain significance (1 of 4 stars; one submission).

Allele frequency attached by ClinVar (database versions not stated): gnomAD 0.00001.

Submission:

Labcorp Genetics (formerly Invitae), Labcorp
Classification: Uncertain significance. Last evaluated: 2022-08-04. Review status: criteria provided, single submitter. Criteria: Invitae Variant Classification Sherloc (09022015). Collection method: clinical testing. Allele origin: germline.
Comment: This sequence change replaces leucine, which is neutral and non-polar, with isoleucine, which is neutral and non-polar, at codon 573 of the NUP205 protein (p.Leu573Ile). This variant is present in population databases (no rsID available, gnomAD 0.0009%). This variant has not been reported in the literature in individuals affected with NUP205-related conditions. Algorithms developed to predict the effect of missense changes on protein structure and function (SIFT, PolyPhen-2, Align-GVGD) all suggest that this variant is likely to be tolerated. In summary, the available evidence is currently insufficient to determine the role of this variant in disease. Therefore, it has been classified as a Variant of Uncertain Significance.

NM_015135.3(NUP205):c.1717C>A (p.Leu573Ile)

Gene: NUP205 (nucleoporin 205; plus strand). Cytogenetic location: 7q33.
Variant type: single nucleotide variant.
Coding change: c.1717C>A on transcript NM_015135.3 (MANE Select); coding-DNA position 1717, C replaced by A.
Protein change: p.Leu573Ile; replaces leucine 573 with isoleucine.
Molecular consequence: missense variant.
Genome position (GRCh38, 1-based): chr7:135,593,079, C>A. VCF-style: chr7-135593079-C-A. GRCh37 (hg19) VCF-style: chr7-135277827-C-A.
Other names: c.643C>A, p.Leu215Ile (NM_001329434.2); short protein forms L215I, L573I.
Identifiers: ClinVar variation 1924981 (VCV001924981.5), dbSNP rs1270299298, ClinGen allele CA369332285.
Genomic context (GRCh38, chr7:135,593,079, plus strand): 5'-GTTTCCTGGGAACATTTCTTTCACTCCTTGATGCTTTACCACGAACACCTTCGGAAGGAT[C>A]TTCCAAGTGCAGATAGTGTCCAGTACCGTCACCTTCCTTCCCGTGGCATCACCCAGAAGG-3'
Protein context (NP_055950.2, residues 563-583): MLYHEHLRKD[Leu573Ile]PSADSVQYRH